The following is an entry in ClinVar:

ClinVar aggregate classification (germline): Uncertain significance. Review status: criteria provided, multiple submitters, no conflicts (2 of 4 stars). 5 submissions from 5 submitters: Uncertain significance (5). Last evaluated 2026-08-27.

Conditions:
MYO15A-related disorder. Also called: MYO15A-related condition.
Inborn genetic diseases. Identifiers: MedGen C0950123, MeSH D030342.

Allele frequency attached by ClinVar (database versions not stated): ExAC 0.00003; gnomAD 0.00003; TOPMed 0.00005.
gnomAD v4.1: 53 of 1,612,936 alleles (0.0033%); highest among the groups gnomAD compares: Admixed American, 0.005%; no homozygotes.

Submissions (5):

PreventionGenetics, part of Exact Sciences
Classification: Uncertain significance for MYO15A-related condition. Last evaluated: 2026-08-27. Review status: criteria provided, single submitter. Criteria: ACMG Guidelines, 2015. Collection method: clinical testing. Allele origin: germline.
Comment: The MYO15A c.3478C>T variant is predicted to result in the amino acid substitution p.Arg1160Trp. To our knowledge, this variant has not been reported in the literature. This variant is reported in 0.0039% of alleles in individuals of European (Non-Finnish) descent in gnomAD. At this time, the clinical significance of this variant is uncertain due to the absence of conclusive functional and genetic evidence.

Ambry Genetics
Classification: Uncertain significance for Inborn genetic diseases. Last evaluated: 2025-05-17. Review status: criteria provided, single submitter. Criteria: Ambry Variant Classification Scheme 2023. Collection method: clinical testing. Allele origin: germline.

GeneDx
Classification: Uncertain significance. Last evaluated: 2025-01-23. Review status: criteria provided, single submitter. Criteria: GeneDx Variant Classification Process June 2021. Collection method: clinical testing. Allele origin: germline. Affected: yes.
Comment: Not observed at significant frequency in large population cohorts (gnomAD); In silico analysis indicates that this missense variant does not alter protein structure/function; Has not been previously published as pathogenic or benign to our knowledge

Labcorp Genetics (formerly Invitae), Labcorp
Classification: Uncertain significance. Last evaluated: 2024-08-30. Review status: criteria provided, single submitter. Criteria: Invitae Variant Classification Sherloc (09022015). Collection method: clinical testing. Allele origin: germline.
Comment: This sequence change replaces arginine, which is basic and polar, with tryptophan, which is neutral and slightly polar, at codon 1160 of the MYO15A protein (p.Arg1160Trp). This variant is present in population databases (rs533897442, gnomAD 0.005%). This variant has not been reported in the literature in individuals affected with MYO15A-related conditions. ClinVar contains an entry for this variant (Variation ID: 2402211). Invitae Evidence Modeling of protein sequence and biophysical properties (such as structural, functional, and spatial information, amino acid conservation, physicochemical variation, residue mobility, and thermodynamic stability) indicates that this missense variant is not expected to disrupt MYO15A protein function with a negative predictive value of 95%. In summary, the available evidence is currently insufficient to determine the role of this variant in disease. Therefore, it has been classified as a Variant of Uncertain Significance.

Blueprint Genetics
Classification: Uncertain significance. Last evaluated: 2024-03-07. Review status: criteria provided, single submitter. Criteria: ACMG Guidelines, 2015. Collection method: clinical testing. Allele origin: germline.

NM_016239.4(MYO15A):c.3478C>T (p.Arg1160Trp)

Gene: MYO15A (myosin XVA; plus strand). Cytogenetic location: 17p11.2.
Variant type: single nucleotide variant.
Coding change: c.3478C>T on transcript NM_016239.4 (MANE Select); coding-DNA position 3478, C replaced by T.
Protein change: p.Arg1160Trp; replaces arginine 1160 with tryptophan.
Molecular consequence: missense variant.
Genome position (GRCh38, 1-based): chr17:18,122,278, C>T. VCF-style: chr17-18122278-C-T. GRCh37 (hg19) VCF-style: chr17-18025592-C-T.
Other names: short protein forms R1160W.
Identifiers: ClinVar variation 2402211 (VCV002402211.8), dbSNP rs533897442, ClinGen allele CA8423471.
Genomic context (GRCh38, chr17:18,122,278, plus strand): 5'-CAGCCCATTCAGGACCCCAAGCCAAGAGCCTGTAGTCTTCGCTGGTCCTGCCTCTGGCTT[C>T]GGGCAGATGCCTATGGACCCTGGCCACGAGTACACACCCATCCCCAGTCCTGCCACCTGG-3'
Protein context (NP_057323.3, residues 1150-1170): CSLRWSCLWL[Arg1160Trp]ADAYGPWPRV